The following is an entry in ClinVar:

ClinVar aggregate classification (germline): Likely pathogenic. Review status: criteria provided, multiple submitters, no conflicts (2 of 4 stars). 2 submissions from 2 submitters: Likely pathogenic (2). Last evaluated 2025-08-01.

Conditions:
Congenital stationary night blindness 1B. Also called: NIGHT BLINDNESS, CONGENITAL STATIONARY, COMPLETE, AUTOSOMAL RECESSIVE; Night blindness, congenital stationary (complete), 1B, autosomal recessive. Identifiers: Orphanet 215, MedGen C1850362, MONDO:0009758, OMIM 257270.

Allele frequency attached by ClinVar (database versions not stated): gnomAD exomes below 0.00001; gnomAD 0.00001; TOPMed 0.00001.

Submissions (2):

First Genomix Gene Laboratory, Genetic Diagnostics Department
Classification: Likely pathogenic for Congenital stationary night blindness 1B. Last evaluated: 2025-08-01. Review status: criteria provided, single submitter. Criteria: ACMG Guidelines, 2015. Collection method: clinical testing. Allele origin: germline. Inheritance: Autosomal recessive inheritance. Affected: no. Observed: 1 variant allele.

Genomic Medicine Center of Excellence, King Faisal Specialist Hospital and Research Centre
Classification: Likely pathogenic for Congenital stationary night blindness 1B. Last evaluated: 2024-03-29. Review status: criteria provided, single submitter. Criteria: ACMG Guidelines, 2015. Collection method: clinical testing. Allele origin: germline.

NM_000843.4(GRM6):c.2236_2237del (p.Met746fs)

Genes: ZNF454 (zinc finger protein 454; plus strand), GRM6 (glutamate metabotropic receptor 6; minus strand). Cytogenetic location: 5q35.3.
Variant type: Deletion.
Coding change: c.2236_2237del on transcript NM_000843.4 (MANE Select); coding-DNA positions 2236 to 2237, 2 bases deleted (AT; older notation c.2236_2237delAT).
Protein change: p.Met746fs; shifts the reading frame from methionine 746.
Molecular consequence: frameshift variant.
Genome position (GRCh38, 1-based): chr5:178,983,109-178,983,110, AT deleted on the plus strand (AT on the coding strand, the reverse complement: GRM6 is on the minus strand). VCF-style (leftmost placement, unchanged base first): chr5-178983108-CAT-C. GRCh37 (hg19) VCF-style: chr5-178410109-CAT-C.
Other names: c.2236_2237delAT (NM_000843.4); short protein forms M746fs.
Identifiers: ClinVar variation 3065763 (VCV003065763.2), dbSNP rs1426740204, ClinGen allele CA808232505.